The following is an entry in ClinVar:

NM_001292063.2(OTOG):c.3419C>A (p.Thr1140Asn)

Gene: OTOG (otogelin; plus strand). Cytogenetic location: 11p15.1.
Variant type: single nucleotide variant.
Coding change: c.3419C>A on transcript NM_001292063.2 (MANE Select); coding-DNA position 3419, C replaced by A.
Protein change: p.Thr1140Asn; replaces threonine 1140 with asparagine.
Molecular consequence: missense variant.
Genome position (GRCh38, 1-based): chr11:17,596,048, C>A. VCF-style: chr11-17596048-C-A. GRCh37 (hg19) VCF-style: chr11-17617595-C-A.
Other names: c.3455C>A, p.Thr1152Asn (NM_001277269.2); short protein forms T1140N, T1152N.
Identifiers: ClinVar variation 1809829 (VCV001809829.1), dbSNP rs1052968891, ClinGen allele CA218461594.

ClinVar aggregate classification (germline): Uncertain significance (1 of 4 stars; one submission).

Allele frequency attached by ClinVar (database versions not stated): gnomAD exomes 0.00001; gnomAD 0.00003; TOPMed 0.00004.
gnomAD v4.1: 16 of 1,550,642 alleles (0.001%); highest among the groups gnomAD compares: African/African-American, 0.021%; no homozygotes.

Submission:

GeneDx
Classification: Uncertain significance. Last evaluated: 2022-06-29. Review status: criteria provided, single submitter. Criteria: GeneDx Variant Classification Process June 2021. Collection method: clinical testing. Allele origin: germline. Affected: yes.
Comment: In silico analysis supports that this missense variant does not alter protein structure/function; Has not been previously published as pathogenic or benign to our knowledge